The following is an entry in ClinVar:

ClinVar aggregate classification (germline): Likely pathogenic (0 of 4 stars; one submission).

Conditions:
HNF1A-related disorder. Also called: HNF1A-related condition.

Submission:

PreventionGenetics, part of Exact Sciences
Classification: Likely pathogenic for HNF1A-related condition. Last evaluated: 2024-02-29. Review status: no assertion criteria provided. Collection method: clinical testing. Allele origin: germline.
Comment: The HNF1A c.694_696delinsGG variant is predicted to result in a frameshift and premature protein termination (p.Leu232Glyfs*110). To our knowledge, this variant has not been reported in the literature or in a large population database, indicating this variant is rare. Frameshift variants in HNF1A are expected to be pathogenic. This variant is interpreted as likely pathogenic.

NM_000545.8(HNF1A):c.694_696delinsGG (p.Leu232fs)

Gene: HNF1A (HNF1 homeobox A; plus strand). Cytogenetic location: 12q24.31.
Variant type: Indel.
Coding change: c.694_696delinsGG on transcript NM_000545.8 (MANE Select); coding-DNA positions 694 to 696, CTA replaced by GG.
Protein change: p.Leu232fs; shifts the reading frame from leucine 232.
Molecular consequence: frameshift variant.
Genome position (GRCh38, 1-based): chr12:120,993,687-120,993,689, CTA replaced by GG. VCF-style: chr12-120993687-CTA-GG. GRCh37 (hg19) VCF-style: chr12-121431490-CTA-GG.
Other names: c.694_696delinsGG, p.Leu232fs (NM_001306179.2, NM_001406915.1); short protein forms L232fs.
Identifiers: ClinVar variation 3052987 (VCV003052987.2), dbSNP rs2499995743, ClinGen allele CA2740097584.